The following is an entry in ClinVar:

NM_152424.4(AMER1):c.274A>G (p.Lys92Glu)

Gene: AMER1 (APC membrane recruitment protein 1; minus strand). Cytogenetic location: Xq11.2.
Variant type: single nucleotide variant.
Coding change: c.274A>G on transcript NM_152424.4 (MANE Select); coding-DNA position 274, A replaced by G.
Protein change: p.Lys92Glu; replaces lysine 92 with glutamic acid.
Molecular consequence: missense variant.
Genome position (GRCh38, 1-based): chrX:64,193,013, T>C on the plus strand (A>G on the coding strand, the complement: AMER1 is on the minus strand). VCF-style: chrX-64193013-T-C. GRCh37 (hg19) VCF-style: chrX-63412893-T-C.
Other names: short protein forms K92E.
Identifiers: ClinVar variation 1908132 (VCV001908132.5), dbSNP rs772656826, ClinGen allele CA10432512.

ClinVar aggregate classification (germline): Uncertain significance (1 of 4 stars; one submission).

Allele frequency attached by ClinVar (database versions not stated): ExAC 0.00001; gnomAD 0.00002; TOPMed 0.00002.
gnomAD v4.1: 9 of 1,210,110 alleles (0.00074%); highest among the groups gnomAD compares: Non-Finnish European, 0.00089%; no homozygotes.

Submission:

Labcorp Genetics (formerly Invitae), Labcorp
Classification: Uncertain significance. Last evaluated: 2025-10-02. Review status: criteria provided, single submitter. Criteria: Invitae Variant Classification Sherloc (09022015). Collection method: clinical testing. Allele origin: germline.
Comment: This sequence change replaces lysine, which is basic and polar, with glutamic acid, which is acidic and polar, at codon 92 of the AMER1 protein (p.Lys92Glu). This variant is present in population databases (rs772656826, gnomAD 0.002%). This variant has not been reported in the literature in individuals affected with AMER1-related conditions. ClinVar contains an entry for this variant (Variation ID: 1908132). An algorithm developed to predict the effect of missense changes on protein structure and function (PolyPhen-2) suggests that this variant is likely to be disruptive. In summary, the available evidence is currently insufficient to determine the role of this variant in disease. Therefore, it has been classified as a Variant of Uncertain Significance.